The following is an entry in ClinVar:

ClinVar aggregate classification (germline): Uncertain significance. Review status: criteria provided, multiple submitters, no conflicts (2 of 4 stars). 2 submissions from 2 submitters: Uncertain significance (2). Last evaluated 2025-02-27.

Conditions:
Inborn genetic diseases. Identifiers: MedGen C0950123, MeSH D030342.

Allele frequency attached by ClinVar (database versions not stated): gnomAD 0.00001; TOPMed 0.00001; ExAC 0.00002; gnomAD exomes 0.00003.
gnomAD v4.1: 54 of 1,613,412 alleles (0.0033%); highest among the groups gnomAD compares: Non-Finnish European, 0.0036%; no homozygotes.

Submissions (2):

Labcorp Genetics (formerly Invitae), Labcorp
Classification: Uncertain significance. Last evaluated: 2025-02-27. Review status: criteria provided, single submitter. Criteria: Invitae Variant Classification Sherloc (09022015). Collection method: clinical testing. Allele origin: germline.
Comment: This sequence change replaces cysteine, which is neutral and slightly polar, with glycine, which is neutral and non-polar, at codon 1009 of the SAMD9L protein (p.Cys1009Gly). This variant is present in population databases (rs754107250, gnomAD 0.003%). This variant has not been reported in the literature in individuals affected with SAMD9L-related conditions. ClinVar contains an entry for this variant (Variation ID: 2715726). Invitae Evidence Modeling of protein sequence and biophysical properties (such as structural, functional, and spatial information, amino acid conservation, physicochemical variation, residue mobility, and thermodynamic stability) indicates that this missense variant is not expected to disrupt SAMD9L protein function with a negative predictive value of 80%. In summary, the available evidence is currently insufficient to determine the role of this variant in disease. Therefore, it has been classified as a Variant of Uncertain Significance.

Ambry Genetics
Classification: Uncertain significance for Inborn genetic diseases. Last evaluated: 2024-11-23. Review status: criteria provided, single submitter. Criteria: Ambry Variant Classification Scheme 2023. Collection method: clinical testing. Allele origin: germline.
Comment: The p.C1009G variant (also known as c.3025T>G), located in coding exon 1 of the SAMD9L gene, results from a T to G substitution at nucleotide position 3025. The cysteine at codon 1009 is replaced by glycine, an amino acid with highly dissimilar properties. This amino acid position is conserved. In addition, this alteration is predicted to be tolerated by in silico analysis. Based on the available evidence, the clinical significance of this variant remains unclear.

NM_152703.5(SAMD9L):c.3025T>G (p.Cys1009Gly)

Gene: SAMD9L (sterile alpha motif domain containing 9 like; minus strand). Cytogenetic location: 7q21.2.
Variant type: single nucleotide variant.
Coding change: c.3025T>G on transcript NM_152703.5 (MANE Select); coding-DNA position 3025, T replaced by G.
Protein change: p.Cys1009Gly; replaces cysteine 1009 with glycine.
Molecular consequence: missense variant.
Genome position (GRCh38, 1-based): chr7:93,132,947, A>C on the plus strand (T>G on the coding strand, the complement: SAMD9L is on the minus strand). VCF-style: chr7-93132947-A-C. GRCh37 (hg19) VCF-style: chr7-92762260-A-C.
Other names: c.3025T>G, p.Cys1009Gly (NM_001303496.3, NM_001303497.3, NM_001303498.3 and 5 more transcripts); c.3025T>G (NM_152703.2); short protein forms C1009G.
Identifiers: ClinVar variation 2715726 (VCV002715726.5), dbSNP rs754107250, ClinGen allele CA4343520.
Genomic context (GRCh38, chr7:93,132,947, plus strand): 5'-CTCTTCCTATTCCAGAATCATAGAATAAATTCTCTTCTAATATATTCAATGCAATTTGAC[A>C]TTTATCCAAGTGATAGCTTCTTTCCAGTTCTTTTAGACAGTACAGGGCAATCAGAGGGTG-3'
Protein context (NP_689916.2, residues 999-1019): ELERSYHLDK[Cys1009Gly]QIALNILEEN